The following is an entry in ClinVar:

NC_000023.10:g.(?_32583809)_(32867947_?)del

Gene: DMD (dystrophin; minus strand). Cytogenetic location: Xp21.1.
Variant type: Deletion.
Identifiers: ClinVar variation 1071709 (VCV001071709.2).

ClinVar aggregate classification (germline): Pathogenic (1 of 4 stars; one submission).

Conditions:
Duchenne muscular dystrophy (DMD). Also called: MUSCULAR DYSTROPHY, PSEUDOHYPERTROPHIC PROGRESSIVE, DUCHENNE TYPE; Duchenne Muscular Dystrophy (DMD). Identifiers: Orphanet 98896, MedGen C0013264, MONDO:0010679, OMIM 310200.

Submission:

Labcorp Genetics (formerly Invitae), Labcorp
Classification: Pathogenic for Duchenne muscular dystrophy. Last evaluated: 2020-03-28. Review status: criteria provided, single submitter. Criteria: Invitae Variant Classification Sherloc (09022015). Collection method: clinical testing. Allele origin: germline.
Comment: This variant is an in-frame deletion of the genomic region encompassing exons 3-16 of the DMD gene. It preserves the integrity of the reading frame. A similar deletion of exons 3-16 has been reported in individual(s) with DMD-related conditions (PMID: 15723292, 21851881, Invitae). The region of the DMD gene that includes exon(s) 5 has been determined to be clinically significant (PMID: 26745801, 12920092, 20031633, 21520333, 24292997). Therefore, deletions that encompass that region are likely to disrupt protein function and cause disease. For these reasons, this variant has been classified as Pathogenic.

Literature cited by the submitters: PubMed 15723292; PubMed 21851881; PubMed 26745801; PubMed 12920092; PubMed 20031633; PubMed 21520333; PubMed 24292997.